The following is an entry in ClinVar:

ClinVar aggregate classification (germline): Uncertain significance. Review status: criteria provided, multiple submitters, no conflicts (2 of 4 stars). 2 submissions from 2 submitters: Uncertain significance (2). Last evaluated 2024-12-21.

gnomAD v4.1: 4 of 1,613,236 alleles (0.00025%); highest among the groups gnomAD compares: Non-Finnish European, 0.00034%; no homozygotes.

Submissions (2):

GeneDx
Classification: Uncertain significance. Last evaluated: 2024-12-21. Review status: criteria provided, single submitter. Criteria: GeneDx Variant Classification Process June 2021. Collection method: clinical testing. Allele origin: germline. Affected: yes.
Comment: Not observed at significant frequency in large population cohorts (gnomAD); In silico analysis supports that this missense variant has a deleterious effect on protein structure/function; Has not been previously published as pathogenic or benign to our knowledge

CeGaT Center for Human Genetics Tuebingen
Classification: Uncertain significance. Last evaluated: 2023-01-01. Review status: criteria provided, single submitter. Criteria: CeGaT Center For Human Genetics Tuebingen Variant Classification Criteria Version 2. Collection method: clinical testing. Allele origin: germline. Affected: yes. Observed: 1 variant allele.
Comment: BRPF1: PM2, PP2

NM_001003694.2(BRPF1):c.1280G>A (p.Arg427Gln)

Gene: BRPF1 (bromodomain and PHD finger containing 1; plus strand). Cytogenetic location: 3p25.3.
Variant type: single nucleotide variant.
Coding change: c.1280G>A on transcript NM_001003694.2 (MANE Select); coding-DNA position 1280, G replaced by A.
Protein change: p.Arg427Gln; replaces arginine 427 with glutamine.
Molecular consequence: missense variant. On other transcripts: non-coding transcript variant (1).
Genome position (GRCh38, 1-based): chr3:9,739,679, G>A. VCF-style: chr3-9739679-G-A. GRCh37 (hg19) VCF-style: chr3-9781363-G-A.
Other names: c.1280G>A, p.Arg427Gln (NM_001319049.2, NM_001319050.2, NM_001410704.1 and 1 more transcripts); c.1280G>A (NM_001003694.1); short protein forms R427Q.
Identifiers: ClinVar variation 2498920 (VCV002498920.29), dbSNP rs2471473128, ClinGen allele CA351687837.
Genomic context (GRCh38, chr3:9,739,679, plus strand): 5'-CAGCTTTCCATGTGACATGCGCCCAGCAGGCTGGCCTTTACATGAAGATGGAGCCTGTGC[G>A]GGAGACAGGCGCCAACGGCACCTCTTTCAGTGTCCGCAAGACAGCCTACTGCGACATCCA-3'
Protein context (NP_001003694.1, residues 417-437): AGLYMKMEPV[Arg427Gln]ETGANGTSFS